The following is an entry in ClinVar:

ClinVar aggregate classification (germline): Uncertain significance (1 of 4 stars; one submission).

Submission:

CeGaT Center for Human Genetics Tuebingen
Classification: Uncertain significance. Last evaluated: 2025-02-01. Review status: criteria provided, single submitter. Criteria: CeGaT Center For Human Genetics Tuebingen Variant Classification Criteria Version 2. Collection method: clinical testing. Allele origin: germline. Affected: yes. Observed: 1 variant allele.
Comment: FARSB: PM2

NM_005687.5(FARSB):c.1664G>T (p.Gly555Val)

Gene: FARSB (phenylalanyl-tRNA synthetase subunit beta; minus strand). Cytogenetic location: 2q36.1.
Variant type: single nucleotide variant.
Coding change: c.1664G>T on transcript NM_005687.5 (MANE Select); coding-DNA position 1664, G replaced by T.
Protein change: p.Gly555Val; replaces glycine 555 with valine.
Molecular consequence: missense variant. On other transcripts: non-coding transcript variant (1).
Genome position (GRCh38, 1-based): chr2:222,571,977, C>A on the plus strand (G>T on the coding strand, the complement: FARSB is on the minus strand). VCF-style: chr2-222571977-C-A. GRCh37 (hg19) VCF-style: chr2-223436696-C-A.
Other names: short protein forms G555V.
Identifiers: ClinVar variation 2578895 (VCV002578895.25), dbSNP rs774298156, ClinGen allele CA350805656.